The following is an entry in ClinVar:

NM_003738.5(PTCH2):c.233T>C (p.Ile78Thr)

Gene: PTCH2 (patched 2; minus strand). Cytogenetic location: 1p34.1.
Variant type: single nucleotide variant.
Coding change: c.233T>C on transcript NM_003738.5 (MANE Select); coding-DNA position 233, T replaced by C.
Protein change: p.Ile78Thr; replaces isoleucine 78 with threonine.
Molecular consequence: missense variant.
Genome position (GRCh38, 1-based): chr1:44,841,879, A>G on the plus strand (T>C on the coding strand, the complement: PTCH2 is on the minus strand). VCF-style: chr1-44841879-A-G. GRCh37 (hg19) VCF-style: chr1-45307551-A-G.
Other names: c.233T>C, p.Ile78Thr (NM_001166292.2); short protein forms I78T.
Identifiers: ClinVar variation 948808 (VCV000948808.10), dbSNP rs749275900, ClinGen allele CA823715.

ClinVar aggregate classification (germline): Uncertain significance (1 of 4 stars; one submission).

Conditions:
Gorlin syndrome. Also called: Nevoid Basal Cell Carcinoma Syndrome; Basal cell nevus syndrome. Identifiers: Orphanet 377, MedGen C0004779, MONDO:0007187.

Allele frequency attached by ClinVar (database versions not stated): gnomAD 0.00001 and 0.00002; gnomAD exomes 0.00001 and 0.00002; ExAC 0.00002; TOPMed 0.00004.
gnomAD v4.1: 22 of 1,614,202 alleles (0.0014%); highest among the groups gnomAD compares: Admixed American, 0.0033%; no homozygotes.

Submission:

Labcorp Genetics (formerly Invitae), Labcorp
Classification: Uncertain significance for Gorlin syndrome. Last evaluated: 2019-07-03. Review status: criteria provided, single submitter. Criteria: Invitae Variant Classification Sherloc (09022015). Collection method: clinical testing. Allele origin: germline.
Comment: This sequence change replaces isoleucine with threonine at codon 78 of the PTCH2 protein (p.Ile78Thr). The isoleucine residue is moderately conserved and there is a moderate physicochemical difference between isoleucine and threonine. In summary, the available evidence is currently insufficient to determine the role of this variant in disease. Therefore, it has been classified as a Variant of Uncertain Significance. Algorithms developed to predict the effect of missense changes on protein structure and function are either unavailable or do not agree on the potential impact of this missense change (SIFT: "Deleterious"; PolyPhen-2: "Benign"; Align-GVGD: "Class C0"). This variant has not been reported in the literature in individuals with PTCH2-related conditions. This variant is present in population databases (rs749275900, ExAC 0.004%).